The following is an entry in ClinVar:

NM_001267550.2(TTN):c.7057+1G>T

Genes: TTN (titin; minus strand), LOC126806433 (BRD4-independent group 4 enhancer GRCh37_chr2:179638309-179639508; plus strand). Cytogenetic location: 2q31.2.
Variant type: single nucleotide variant.
Coding change: c.7057+1G>T on transcript NM_001267550.2 (MANE Select); the canonical splice donor site of the intron after coding-DNA position 7057, G replaced by T.
Molecular consequence: splice donor variant.
Genome position (GRCh38, 1-based): chr2:178,774,206, C>A on the plus strand (G>T on the coding strand, the complement: TTN is on the minus strand). VCF-style: chr2-178774206-C-A. GRCh37 (hg19) VCF-style: chr2-179638933-C-A.
Other names: c.6919+1G>T (NM_003319.4, NM_133437.4, NM_133432.3); c.7057+1G>T (NM_133378.4, NM_001256850.1, NM_133379.5).
Identifiers: ClinVar variation 4866238 (VCV004866238.1).
Genomic context (GRCh38, chr2:178,774,206, plus strand): 5'-ATTTTTTATCAATAAACCATAATGATGCTCACTGCAGGCTGACAGGAATGGGAGGACTTA[C>A]GTTTCATCTTTAATTTACAGGTTGTCTTTTTCCCGTCGATGACAAAGCTGTATTCTCCCT-3'

ClinVar aggregate classification (germline): Uncertain significance (1 of 4 stars; one submission).

Conditions:
Cardiovascular phenotype. Identifiers: MedGen CN230736.

gnomAD v4.1: 1 of 1,614,048 alleles (0.000062%); highest among the groups gnomAD compares: South Asian, 0.0011%; no homozygotes.

Submission:

Ambry Genetics
Classification: Uncertain significance for Cardiovascular phenotype. Last evaluated: 2026-06-01. Review status: criteria provided, single submitter. Criteria: Ambry Variant Classification Scheme 2023. Collection method: clinical testing. Allele origin: germline.
Comment: The c.6919+1G>T intronic variant results from a G to T substitution one nucleotide after coding exon 28 of the TTN gene. This exon is located in the I-band region of the N2-B isoform of the titin protein and is constitutively expressed in TTN transcripts (percent spliced in or PSI 100%). This nucleotide position is highly conserved in available vertebrate species. In silico splice site analysis predicts that this alteration will weaken the native splice donor site and may result in the creation or strengthening of a novel splice donor site. This variant disrupts the canonical splice site and is expected to cause aberrant splicing. However, although direct evidence is unavailable, this variant is predicted to result in an in-frame transcript that is not expected to trigger nonsense-mediated mRNA decay. The exact functional effect of the predicted splice impact is unknown.